The following is an entry in ClinVar:

ClinVar aggregate classification (germline): Benign (0 of 4 stars; one submission).

Conditions:
GPD2-related disorder. Also called: GPD2-related condition.

Allele frequency attached by ClinVar (database versions not stated): gnomAD exomes 0.00010; ExAC 0.00038; 1000 Genomes Project 30x 0.00094; 1000 Genomes Project 0.00100; gnomAD 0.00119; ESP Exome Variant Server 0.00146; TOPMed 0.00151.
gnomAD v4.1: 330 of 1,612,540 alleles (0.02%); highest among the groups gnomAD compares: African/African-American, 0.42%; no homozygotes.

Submission:

PreventionGenetics, part of Exact Sciences
Classification: Benign for GPD2-related condition. Last evaluated: 2019-12-18. Review status: no assertion criteria provided. Collection method: clinical testing. Allele origin: germline.
Comment: This variant is classified as benign based on ACMG/AMP sequence variant interpretation guidelines (Richards et al. 2015 PMID: 25741868, with internal and published modifications).

NM_000408.5(GPD2):c.580G>A (p.Val194Ile)

Gene: GPD2 (glycerol-3-phosphate dehydrogenase 2; plus strand). Cytogenetic location: 2q24.1.
Variant type: single nucleotide variant.
Coding change: c.580G>A on transcript NM_000408.5 (MANE Select); coding-DNA position 580, G replaced by A.
Protein change: p.Val194Ile; replaces valine 194 with isoleucine.
Molecular consequence: missense variant.
Genome position (GRCh38, 1-based): chr2:156,513,415, G>A. VCF-style: chr2-156513415-G-A. GRCh37 (hg19) VCF-style: chr2-157369927-G-A.
Other names: c.580G>A, p.Val194Ile (NM_001083112.3); short protein forms V194I.
Identifiers: ClinVar variation 3048678 (VCV003048678.2), dbSNP rs116805380, ClinGen allele CA1916702.
Genomic context (GRCh38, chr2:156,513,415, plus strand): 5'-TGGGTAGGAATCAAGCTGTATGATTTGGTTGCAGGAAGCAATTGCCTAAAAAGCAGTTAT[G>A]TCCTCAGCAAATCAAGAGCCCTTGAACATTTCCCAATGCTCCAGAAGGACAAACTGGTAG-3'
Protein context (NP_000399.3, residues 184-204): AGSNCLKSSY[Val194Ile]LSKSRALEHF